The following is an entry in ClinVar:

NM_000069.3(CACNA1S):c.5444C>T (p.Ala1815Val)

Gene: CACNA1S (calcium voltage-gated channel subunit alpha1 S; minus strand). Cytogenetic location: 1q32.1.
Variant type: single nucleotide variant.
Coding change: c.5444C>T on transcript NM_000069.3 (MANE Select); coding-DNA position 5444, C replaced by T.
Protein change: p.Ala1815Val; replaces alanine 1815 with valine.
Molecular consequence: missense variant.
Genome position (GRCh38, 1-based): chr1:201,040,009, G>A on the plus strand (C>T on the coding strand, the complement: CACNA1S is on the minus strand). VCF-style: chr1-201040009-G-A. GRCh37 (hg19) VCF-style: chr1-201009137-G-A.
Other names: short protein forms A1815V.
Identifiers: ClinVar variation 4758328 (VCV004758328.1).

ClinVar aggregate classification (germline): Uncertain significance (1 of 4 stars; one submission).

Conditions:
Malignant hyperthermia, susceptibility to, 5 (MHS5). Also called: CACNA1S-Related Malignant Hyperthermia Susceptibility. Identifiers: Orphanet 423, MedGen C1866077, MONDO:0011163, OMIM 601887.

gnomAD v4.1: 4 of 1,614,276 alleles (0.00025%); highest among the groups gnomAD compares: Non-Finnish European, 0.00034%; no homozygotes.

Submission:

Color Diagnostics, LLC DBA Color Health
Classification: Uncertain significance for Malignant hyperthermia, susceptibility to, 5. Last evaluated: 2025-09-05. Review status: criteria provided, single submitter. Criteria: ACMG Guidelines, 2015. Collection method: clinical testing. Allele origin: germline.
Comment: This missense variant replaces alanine with valine at codon 1815 of the CACNA1S protein. Computational prediction suggests that this variant may not impact protein structure and function. To our knowledge, functional studies have not been reported for this variant. This variant has not been reported in individuals affected with CACNA1S-related disorders in the literature. This variant has been identified in 3/251258 chromosomes in the general population by the Genome Aggregation Database (gnomAD). The available evidence is insufficient to determine the role of this variant in disease conclusively. Therefore, this variant is classified as a Variant of Uncertain Significance.